The following is an entry in ClinVar:

ClinVar aggregate classification (germline): Uncertain significance (1 of 4 stars; one submission).

Conditions:
Epileptic encephalopathy. Identifiers: MedGen C0543888, HP:0200134.

Allele frequency attached by ClinVar (database versions not stated): gnomAD exomes below 0.00001.
gnomAD v4.1: 1 of 1,613,872 alleles (0.000062%); highest among the groups gnomAD compares: Non-Finnish European, 0.000085%; no homozygotes.

Submission:

Labcorp Genetics (formerly Invitae), Labcorp
Classification: Uncertain significance for Epileptic encephalopathy. Last evaluated: 2022-12-02. Review status: criteria provided, single submitter. Criteria: Invitae Variant Classification Sherloc (09022015). Collection method: clinical testing. Allele origin: germline.
Comment: This variant has not been reported in the literature in individuals affected with RYR3-related conditions. ClinVar contains an entry for this variant (Variation ID: 1014974). Algorithms developed to predict the effect of missense changes on protein structure and function are either unavailable or do not agree on the potential impact of this missense change (SIFT: "Deleterious"; PolyPhen-2: "Benign"; Align-GVGD: "Class C0"). In summary, the available evidence is currently insufficient to determine the role of this variant in disease. Therefore, it has been classified as a Variant of Uncertain Significance. This variant is not present in population databases (gnomAD no frequency). This sequence change replaces methionine, which is neutral and non-polar, with isoleucine, which is neutral and non-polar, at codon 819 of the RYR3 protein (p.Met819Ile).

NM_001036.6(RYR3):c.2457G>T (p.Met819Ile)

Gene: RYR3 (ryanodine receptor 3; plus strand). Cytogenetic location: 15q14.
Variant type: single nucleotide variant.
Coding change: c.2457G>T on transcript NM_001036.6 (MANE Select); coding-DNA position 2457, G replaced by T.
Protein change: p.Met819Ile; replaces methionine 819 with isoleucine.
Molecular consequence: missense variant.
Genome position (GRCh38, 1-based): chr15:33,623,906, G>T. VCF-style: chr15-33623906-G-T. GRCh37 (hg19) VCF-style: chr15-33916107-G-T.
Other names: c.2457G>T, p.Met819Ile (NM_001243996.4); short protein forms M819I.
Identifiers: ClinVar variation 1014974 (VCV001014974.8), dbSNP rs1003058342, ClinGen allele CA268563152.
Genomic context (GRCh38, chr15:33,623,906, plus strand): 5'-GTTCCTGCCTCCCTCTGGCTATGCCCCTTGCTATGAAGCCTTACTTCCAAAAGAGAAGAT[G>T]AGATTGGAGCCTGTCAAAGAATATAAACGTGATGCTGATGGCATTAGAGATCTCTTGGGT-3'
Protein context (NP_001027.3, residues 809-829): CYEALLPKEK[Met819Ile]RLEPVKEYKR